The following is an entry in ClinVar:

NM_000038.6(APC):c.3277T>C (p.Phe1093Leu)

Gene: APC (APC regulator of Wnt signaling pathway; plus strand). Cytogenetic location: 5q22.2.
Variant type: single nucleotide variant.
Coding change: c.3277T>C on transcript NM_000038.6 (MANE Select); coding-DNA position 3277, T replaced by C.
Protein change: p.Phe1093Leu; replaces phenylalanine 1093 with leucine.
Molecular consequence: missense variant. On other transcripts: non-coding transcript variant (2).
Genome position (GRCh38, 1-based): chr5:112,838,871, T>C. VCF-style: chr5-112838871-T-C. GRCh37 (hg19) VCF-style: chr5-112174568-T-C.
Other names: c.3277T>C, p.Phe1093Leu (NM_001127510.3, NM_001354895.2, NM_001407450.1); c.3223T>C, p.Phe1075Leu (NM_001127511.3); c.3331T>C, p.Phe1111Leu (NM_001354896.2, NM_001407447.1, NM_001407448.1 and 1 more transcripts); c.3307T>C, p.Phe1103Leu (NM_001354897.2); c.3202T>C, p.Phe1068Leu (NM_001354898.2); c.3193T>C, p.Phe1065Leu (NM_001354899.2); c.3154T>C, p.Phe1052Leu (NM_001354900.2); c.3100T>C, p.Phe1034Leu (NM_001354901.2, NM_001407453.1); and 11 more; short protein forms F1002L, F1010L, F1034L, F1052L, F1065L, F1068L, F1075L, F1083L.
Identifiers: ClinVar variation 4801466 (VCV004801466.1).

ClinVar aggregate classification (germline): Uncertain significance (1 of 4 stars; one submission).

Conditions:
Familial adenomatous polyposis 1 (FAP1). Also called: FAMILIAL ADENOMATOUS POLYPOSIS 1, ATTENUATED; POLYPOSIS, ADENOMATOUS INTESTINAL. Identifiers: MedGen C2713442, MONDO:0021056, OMIM 175100. Disease mechanism: loss of function.

Submission:

Labcorp Genetics (formerly Invitae), Labcorp
Classification: Uncertain significance for Familial adenomatous polyposis 1. Last evaluated: 2025-04-27. Review status: criteria provided, single submitter. Criteria: Invitae Variant Classification Sherloc (09022015). Collection method: clinical testing. Allele origin: germline.
Comment: This sequence change replaces phenylalanine, which is neutral and non-polar, with leucine, which is neutral and non-polar, at codon 1093 of the APC protein (p.Phe1093Leu). This variant is not present in population databases (gnomAD no frequency). This variant has not been reported in the literature in individuals affected with APC-related conditions. Invitae Evidence Modeling of protein sequence and biophysical properties (such as structural, functional, and spatial information, amino acid conservation, physicochemical variation, residue mobility, and thermodynamic stability) indicates that this missense variant is not expected to disrupt APC protein function with a negative predictive value of 95%. In summary, the available evidence is currently insufficient to determine the role of this variant in disease. Therefore, it has been classified as a Variant of Uncertain Significance.